The following is an entry in ClinVar:

NM_000492.4(CFTR):c.3384del (p.Val1129fs)

Genes: CFTR (CF transmembrane conductance regulator; plus strand), CFTR-AS2 (CFTR antisense RNA 2; minus strand). Cytogenetic location: 7q31.2.
Variant type: Deletion.
Coding change: c.3384del on transcript NM_000492.4 (MANE Select); coding-DNA position 3384, one base deleted (A; older notation c.3384delA).
Protein change: p.Val1129fs; shifts the reading frame from valine 1129.
Molecular consequence: frameshift variant.
Genome position (GRCh38, 1-based): chr7:117,614,629, A deleted. VCF-style (leftmost placement, unchanged base first): chr7-117614628-GA-G. GRCh37 (hg19) VCF-style: chr7-117254682-GA-G.
Other names: c.3384delA (NM_000492.4); short protein forms V1129fs.
Identifiers: ClinVar variation 4848806 (VCV004848806.1).

ClinVar aggregate classification (germline): Pathogenic (1 of 4 stars; one submission).

Conditions:
Cystic fibrosis (CF). Also called: MUCOVISCIDOSIS. Identifiers: Orphanet 586, MedGen C0010674, MONDO:0009061, OMIM 219700. Disease mechanism: loss of function.

Submission:

Women's Health and Genetics/Laboratory Corporation of America, LabCorp
Classification: Pathogenic for Cystic fibrosis. Last evaluated: 2026-04-28. Review status: criteria provided, single submitter. Criteria: LabCorp Variant Classification Summary - May 2015. Collection method: clinical testing. Allele origin: germline.
Comment: Variant summary: CFTR c.3384delA (p.Val1129LeufsX5) results in a premature termination codon, predicted to cause a truncation of the encoded protein or absence of the protein due to nonsense mediated decay, which are commonly known mechanisms for disease. The variant was absent in 251080 control chromosomes. To our knowledge, no occurrence of c.3384delA in individuals affected with CFTR-related conditions and no experimental evidence demonstrating its impact on protein function have been reported. No submitters have cited clinical-significance assessments for this variant to ClinVar. Based on the evidence outlined above, the variant was classified as pathogenic.